The following is an entry in ClinVar:

NM_003036.4(SKI):c.741C>G (p.Cys247Trp)

Gene: SKI (SKI proto-oncogene; plus strand). Cytogenetic location: 1p36.33.
Variant type: single nucleotide variant.
Coding change: c.741C>G on transcript NM_003036.4 (MANE Select); coding-DNA position 741, C replaced by G.
Protein change: p.Cys247Trp; replaces cysteine 247 with tryptophan.
Molecular consequence: missense variant.
Genome position (GRCh38, 1-based): chr1:2,229,507, C>G. VCF-style: chr1-2229507-C-G. GRCh37 (hg19) VCF-style: chr1-2160946-C-G.
Other names: short protein forms C247W.
Identifiers: ClinVar variation 3372486 (VCV003372486.1).

ClinVar aggregate classification (germline): Uncertain significance (1 of 4 stars; one submission).

Submission:

GeneDx
Classification: Uncertain significance. Last evaluated: 2024-04-22. Review status: criteria provided, single submitter. Criteria: GeneDx Variant Classification Process June 2021. Collection method: clinical testing. Allele origin: germline. Affected: yes.
Comment: Not observed at significant frequency in large population cohorts (gnomAD); In silico analysis supports that this missense variant has a deleterious effect on protein structure/function; Has not been previously published as pathogenic or benign to our knowledge.